The following is an entry in ClinVar:

NM_001101426.4(CRPPA):c.1120-1G>A

Genes: CRPPA-AS1 (CRPPA antisense RNA 1; plus strand), CRPPA (CDP-L-ribitol pyrophosphorylase A; minus strand). Cytogenetic location: 7p21.2.
Variant type: single nucleotide variant.
Coding change: c.1120-1G>A on transcript NM_001101426.4 (MANE Select); the canonical splice acceptor site of the intron before coding-DNA position 1120, G replaced by A.
Molecular consequence: splice acceptor variant.
Genome position (GRCh38, 1-based): chr7:16,216,198, C>T on the plus strand (G>A on the coding strand, the complement: CRPPA is on the minus strand). VCF-style: chr7-16216198-C-T. GRCh37 (hg19) VCF-style: chr7-16255823-C-T.
Other names: c.970-1G>A (NM_001101417.4); c.1015-1G>A (NM_001368197.1).
Identifiers: ClinVar variation 4791347 (VCV004791347.1).

ClinVar aggregate classification (germline): Pathogenic (1 of 4 stars; one submission).

Conditions:
Muscular dystrophy-dystroglycanopathy (congenital with brain and eye anomalies), type A, 7. Also called: WALKER-WARBURG SYNDROME OR MUSCLE-EYE-BRAIN DISEASE, ISPD-RELATED; Congenital muscular dystrophy-dystroglycanopathy with brain and eye anomalies, type A7. Identifiers: Orphanet 899, MedGen C3553330, MONDO:0013835, OMIM 614643.
Autosomal recessive limb-girdle muscular dystrophy type 2U. Also called: Muscular dystrophy-dystroglycanopathy (limb-girdle), type c, 7; MUSCULAR DYSTROPHY, LIMB-GIRDLE, TYPE 2U. Identifiers: Orphanet 352479, MedGen C5190987, MONDO:0014474, OMIM 616052.

Submission:

Labcorp Genetics (formerly Invitae), Labcorp
Classification: Pathogenic for Muscular dystrophy-dystroglycanopathy (congenital with brain and eye anomalies), type A, 7; Autosomal recessive limb-girdle muscular dystrophy type 2U. Last evaluated: 2025-11-25. Review status: criteria provided, single submitter. Criteria: Invitae Variant Classification Sherloc (09022015). Collection method: clinical testing. Allele origin: germline.
Comment: This sequence change affects an acceptor splice site in intron 8 of the ISPD gene. It is expected to disrupt RNA splicing. Variants that disrupt the donor or acceptor splice site typically lead to a loss of protein function (PMID: 16199547), and loss-of-function variants in ISPD are known to be pathogenic (PMID: 23288328). This variant is not present in population databases (gnomAD no frequency). Disruption of this splice site has been observed in individuals with Walker-Warburg syndrome (PMID: 22522420). Algorithms developed to predict the effect of sequence changes on RNA splicing suggest that this variant may disrupt the consensus splice site. For these reasons, this variant has been classified as Pathogenic.

Literature cited by the submitters: PubMed 16199547; PubMed 23288328; PubMed 22522420.